The following is an entry in ClinVar:

ClinVar aggregate classification (germline): Uncertain significance (1 of 4 stars; one submission).

Submission:

Labcorp Genetics (formerly Invitae), Labcorp
Classification: Uncertain significance. Last evaluated: 2025-05-05. Review status: criteria provided, single submitter. Criteria: Invitae Variant Classification Sherloc (09022015). Collection method: clinical testing. Allele origin: germline.
Comment: This sequence change falls in intron 4 of the PHYH gene. It does not directly change the encoded amino acid sequence of the PHYH protein. This variant is not present in population databases (gnomAD no frequency). This variant has not been reported in the literature in individuals affected with PHYH-related conditions. ClinVar contains an entry for this variant (Variation ID: 1910752). Algorithms developed to predict the effect of sequence changes on RNA splicing suggest that this variant may disrupt the consensus splice site. In summary, the available evidence is currently insufficient to determine the role of this variant in disease. Therefore, it has been classified as a Variant of Uncertain Significance.

NM_006214.4(PHYH):c.415-11T>A

Gene: PHYH (phytanoyl-CoA 2-hydroxylase; minus strand). Cytogenetic location: 10p13.
Variant type: single nucleotide variant.
Coding change: c.415-11T>A on transcript NM_006214.4 (MANE Select); 11 bases into the intron before coding-DNA position 415, T replaced by A.
Molecular consequence: intron variant.
Genome position (GRCh38, 1-based): chr10:13,291,923, A>T on the plus strand (T>A on the coding strand, the complement: PHYH is on the minus strand). VCF-style: chr10-13291923-A-T. GRCh37 (hg19) VCF-style: chr10-13333923-A-T.
Other names: c.414+2505T>A (NM_001323083.2); c.415-11T>A (NM_001323082.2); c.115-11T>A (NM_001037537.2, NM_001323084.2, NM_001323080.2).
Identifiers: ClinVar variation 1910752 (VCV001910752.5), dbSNP rs1262842215, ClinGen allele CA2580081352.